The following is an entry in ClinVar:

NM_001206927.2(DNAH8):c.7820C>G (p.Ser2607Ter)

Gene: DNAH8 (dynein axonemal heavy chain 8; plus strand). Cytogenetic location: 6p21.2.
Variant type: single nucleotide variant.
Coding change: c.7820C>G on transcript NM_001206927.2 (MANE Select); coding-DNA position 7820, C replaced by G.
Protein change: p.Ser2607Ter; replaces serine 2607 with a stop codon.
Molecular consequence: nonsense.
Genome position (GRCh38, 1-based): chr6:38,875,790, C>G. VCF-style: chr6-38875790-C-G. GRCh37 (hg19) VCF-style: chr6-38843566-C-G.
Other names: c.7169C>G, p.Ser2390Ter (NM_001371.4); short protein forms S2390*, S2607*.
Identifiers: ClinVar variation 4744755 (VCV004744755.1).

ClinVar aggregate classification (germline): Pathogenic (1 of 4 stars; one submission).

Conditions:
Primary ciliary dyskinesia. Also called: Ciliary dyskinesia. Identifiers: Orphanet 244, MedGen C0008780, MONDO:0016575, HP:0012265.

gnomAD v4.1: 2 of 1,613,600 alleles (0.00012%); highest among the groups gnomAD compares: Non-Finnish European, 0.00017%; no homozygotes.

Submission:

Labcorp Genetics (formerly Invitae), Labcorp
Classification: Pathogenic for Primary ciliary dyskinesia. Last evaluated: 2025-07-15. Review status: criteria provided, single submitter. Criteria: Invitae Variant Classification Sherloc (09022015). Collection method: clinical testing. Allele origin: germline.
Comment: This sequence change creates a premature translational stop signal (p.Ser2607*) in the DNAH8 gene. It is expected to result in an absent or disrupted protein product. Loss-of-function variants in DNAH8 are known to be pathogenic (PMID: 24307375, 32619401, 32681648). This variant is not present in population databases (gnomAD no frequency). This variant has not been reported in the literature in individuals affected with DNAH8-related conditions. For these reasons, this variant has been classified as Pathogenic.

Literature cited by the submitters: PubMed 24307375; PubMed 32619401; PubMed 32681648.